The following is an entry in ClinVar:

ClinVar aggregate classification (germline): Uncertain significance (1 of 4 stars; one submission).

Conditions:
Alagille syndrome due to a JAG1 point mutation. Also called: JAG1-Related Alagille Syndrome; HEPATIC DUCTULAR HYPOPLASIA, SYNDROMATIC; Alagille Syndrome 1. Identifiers: Orphanet 261619, Orphanet 52, MedGen C1956125, MONDO:0016862, OMIM 118450.

Submission:

Labcorp Genetics (formerly Invitae), Labcorp
Classification: Uncertain significance for Alagille syndrome due to a JAG1 point mutation. Last evaluated: 2024-08-05. Review status: criteria provided, single submitter. Criteria: Invitae Variant Classification Sherloc (09022015). Collection method: clinical testing. Allele origin: germline.
Comment: This sequence change replaces alanine, which is neutral and non-polar, with aspartic acid, which is acidic and polar, at codon 1088 of the JAG1 protein (p.Ala1088Asp). This variant is not present in population databases (gnomAD no frequency). This variant has not been reported in the literature in individuals affected with JAG1-related conditions. Advanced modeling of protein sequence and biophysical properties (such as structural, functional, and spatial information, amino acid conservation, physicochemical variation, residue mobility, and thermodynamic stability) performed at Invitae indicates that this missense variant is not expected to disrupt JAG1 protein function with a negative predictive value of 95%. In summary, the available evidence is currently insufficient to determine the role of this variant in disease. Therefore, it has been classified as a Variant of Uncertain Significance.

NM_000214.3(JAG1):c.3263C>A (p.Ala1088Asp)

Gene: JAG1 (jagged canonical Notch ligand 1; minus strand). Cytogenetic location: 20p12.2.
Variant type: single nucleotide variant.
Coding change: c.3263C>A on transcript NM_000214.3 (MANE Select); coding-DNA position 3263, C replaced by A.
Protein change: p.Ala1088Asp; replaces alanine 1088 with aspartic acid.
Molecular consequence: missense variant.
Genome position (GRCh38, 1-based): chr20:10,639,892, G>T on the plus strand (C>A on the coding strand, the complement: JAG1 is on the minus strand). VCF-style: chr20-10639892-G-T. GRCh37 (hg19) VCF-style: chr20-10620540-G-T.
Other names: short protein forms A1088D.
Identifiers: ClinVar variation 3661463 (VCV003661463.2).